The following is an entry in ClinVar:

NM_145239.3(PRRT2):c.579dup (p.Glu194fs)

Genes: MVP-DT (MVP divergent transcript; minus strand), PRRT2 (proline rich transmembrane protein 2; plus strand). Cytogenetic location: 16p11.2.
Variant type: Duplication.
Coding change: c.579dup on transcript NM_145239.3 (MANE Select); coding-DNA position 579, one base duplicated (A; older notation c.579dupA).
Protein change: p.Glu194fs; shifts the reading frame from glutamic acid 194.
Molecular consequence: frameshift variant.
Genome position (GRCh38, 1-based): chr16:29,813,633, A duplicated; the last of 2 consecutive A bases (chr16:29,813,632-29,813,633); duplicating either gives the same sequence. VCF-style (leftmost placement, unchanged base first): chr16-29813631-G-GA. GRCh37 (hg19) VCF-style: chr16-29824952-G-GA.
Other names: c.579dup, p.Glu194fs (NM_001256442.2, NM_001256443.2); short protein forms E194fs.
Identifiers: ClinVar variation 956156 (VCV000956156.10), dbSNP rs1900093244, ClinGen allele CA1139664642.

ClinVar aggregate classification (germline): Pathogenic (1 of 4 stars; one submission).

Conditions:
Episodic kinesigenic dyskinesia (EKD). Also called: Paroxysmal kinesigenic dyskinesia. Identifiers: Orphanet 98809, MedGen C1868682, MONDO:0044202.

Submission:

Labcorp Genetics (formerly Invitae), Labcorp
Classification: Pathogenic for Episodic kinesigenic dyskinesia. Last evaluated: 2023-07-07. Review status: criteria provided, single submitter. Criteria: Invitae Variant Classification Sherloc (09022015). Collection method: clinical testing. Allele origin: germline.
Comment: For these reasons, this variant has been classified as Pathogenic. ClinVar contains an entry for this variant (Variation ID: 956156). This premature translational stop signal has been observed in individual(s) with paroxysmal kinesigenic dyskinesia (PMID: 23190448). It has also been observed to segregate with disease in related individuals. This variant is not present in population databases (gnomAD no frequency). This sequence change creates a premature translational stop signal (p.Glu194Argfs*6) in the PRRT2 gene. It is expected to result in an absent or disrupted protein product. Loss-of-function variants in PRRT2 are known to be pathogenic (PMID: 22623405, 22744660).

Literature cited by the submitters: PubMed 23190448; PubMed 22623405; PubMed 22744660.